The following is an entry in ClinVar:

NM_207122.2(EXT2):c.1898_1899delinsCT (p.Phe633Ser)

Gene: EXT2 (exostosin glycosyltransferase 2; plus strand). Cytogenetic location: 11p11.2.
Variant type: Indel.
Coding change: c.1898_1899delinsCT on transcript NM_207122.2 (MANE Select); coding-DNA positions 1898 to 1899, TC replaced by CT.
Protein change: p.Phe633Ser; replaces phenylalanine 633 with serine.
Molecular consequence: missense variant.
Genome position (GRCh38, 1-based): chr11:44,234,206-44,234,207, TC replaced by CT. VCF-style: chr11-44234206-TC-CT. GRCh37 (hg19) VCF-style: chr11-44255756-TC-CT.
Other names: c.1997_1998delinsCT, p.Phe666Ser (NM_000401.3); c.1928_1929delinsCT, p.Phe643Ser (NM_001178083.3); c.1898_1899delinsCT, p.Phe633Ser (NM_001389628.1, NM_001389630.1); short protein forms F633S, F643S, F666S.
Identifiers: ClinVar variation 2009974 (VCV002009974.5), dbSNP rs2539783716, ClinGen allele CA2580084103.
Genomic context (GRCh38, chr11:44,234,206, plus strand): 5'-CTGGGGATATCAAGAACTGGGTAGATGCTCATATGAACTGTGAAGATATTGCCATGAACT[TC>CT]CTGGTGGCCAACGTCACGGGAAAAGCAGTTATCAAGGTAGGAGGCTCTGCCACTCACTTG-3'
Protein context (NP_997005.1, residues 623-643): HMNCEDIAMN[Phe633Ser]LVANVTGKAV

ClinVar aggregate classification (germline): Uncertain significance. Review status: criteria provided, multiple submitters, no conflicts (2 of 4 stars). 2 submissions from 2 submitters: Uncertain significance (2). Last evaluated 2023-08-02.

Conditions:
Exostoses, multiple, type 2 (EXT2). Also called: Hereditary Multiple Osteochondromatosis, Type II; EXOSTOSES, MULTIPLE, TYPE II. Identifiers: Orphanet 321, MedGen C1851413, MONDO:0007586, OMIM 133701.

Submissions (2):

Baylor Genetics
Classification: Uncertain significance for Exostoses, multiple, type 2. Last evaluated: 2023-08-02. Review status: criteria provided, single submitter. Criteria: ACMG Guidelines, 2015. Collection method: clinical testing. Allele origin: unknown.

Labcorp Genetics (formerly Invitae), Labcorp
Classification: Uncertain significance for Exostoses, multiple, type 2. Last evaluated: 2022-06-23. Review status: criteria provided, single submitter. Criteria: Invitae Variant Classification Sherloc (09022015). Collection method: clinical testing. Allele origin: germline.
Comment: In summary, the available evidence is currently insufficient to determine the role of this variant in disease. Therefore, it has been classified as a Variant of Uncertain Significance. Algorithms developed to predict the effect of missense changes on protein structure and function are either unavailable or do not agree on the potential impact of this missense change (SIFT: "Not Available"; PolyPhen-2: "Probably Damaging"; Align-GVGD: "Not Available"). This variant has not been reported in the literature in individuals affected with EXT2-related conditions. This variant is present in population databases (no rsID available, gnomAD 0.04%). This sequence change replaces phenylalanine, which is neutral and non-polar, with serine, which is neutral and polar, at codon 633 of the EXT2 protein (p.Phe633Ser).